The following is an entry in ClinVar:

NM_004565.3(PEX14):c.400C>G (p.Leu134Val)

Gene: PEX14 (peroxisomal biogenesis factor 14; plus strand). Cytogenetic location: 1p36.22.
Variant type: single nucleotide variant.
Coding change: c.400C>G on transcript NM_004565.3 (MANE Select); coding-DNA position 400, C replaced by G.
Protein change: p.Leu134Val; replaces leucine 134 with valine.
Molecular consequence: missense variant.
Genome position (GRCh38, 1-based): chr1:10,623,034, C>G. VCF-style: chr1-10623034-C-G. GRCh37 (hg19) VCF-style: chr1-10683091-C-G.
Other names: short protein forms L134V.
Identifiers: ClinVar variation 291676 (VCV000291676.18), dbSNP rs140476337, ClinGen allele CA583840.
Genomic context (GRCh38, chr1:10,623,034, plus strand): 5'-ACCCCGGGTCCGTATGCATTCCTCACCCTGTCCCGCTTCTTGCAGAAATACCTGCTCCCC[C>G]TCATCCTGGGCGGCCGAGAGGACAGAAAGCAGCTGGAGAGGATGGAGGCCGGTCTCTCTG-3'
Protein context (NP_004556.1, residues 124-144): HQLYKKYLLP[Leu134Val]ILGGREDRKQ

ClinVar aggregate classification (germline): Benign/Likely benign. Review status: criteria provided, multiple submitters, no conflicts (2 of 4 stars). 4 submissions from 4 submitters: Benign (1); Likely benign (2). 1 of the submissions does not count toward it. Last evaluated 2026-02-03.

Conditions:
Peroxisome biogenesis disorder 13A (Zellweger). Also called: Peroxisome biogenesis disorder 13A. Identifiers: Orphanet 912, MedGen C3554004, MONDO:0013952, OMIM 614887.
PEX14-related disorder. Also called: PEX14-related condition.
Peroxisome biogenesis disorder, complementation group K (CGK). Identifiers: MedGen C1866257, MONDO:0800365.

Allele frequency attached by ClinVar (database versions not stated): 1000 Genomes Project 0.00200; 1000 Genomes Project 30x 0.00203; TOPMed 0.00014; ESP Exome Variant Server 0.00015; gnomAD 0.00021 and 0.00045.
gnomAD v4.1: 1,087 of 1,613,472 alleles (0.067%); highest among the groups gnomAD compares: South Asian, 0.92%; 11 homozygotes.

Submissions (4):

Labcorp Genetics (formerly Invitae), Labcorp
Classification: Benign for Peroxisome biogenesis disorder, complementation group K. Last evaluated: 2026-02-03. Review status: criteria provided, single submitter. Criteria: Invitae Variant Classification Sherloc (09022015). Collection method: clinical testing. Allele origin: germline.

Blueprint Genetics
Classification: Likely benign. Last evaluated: 2024-11-07. Review status: criteria provided, single submitter. Criteria: ACMG Guidelines, 2015. Collection method: clinical testing. Allele origin: germline.

Illumina Laboratory Services, Illumina
Classification: Likely benign for Peroxisome biogenesis disorder 13A (Zellweger). Last evaluated: 2018-01-13. Review status: criteria provided, single submitter. Criteria: ICSL Variant Classification Criteria 13 December 2019. Collection method: clinical testing. Allele origin: germline.
Comment: This variant was observed in the ICSL laboratory as part of a predisposition screen in an ostensibly healthy population. It had not been previously curated by ICSL or reported in the Human Gene Mutation Database (HGMD: prior to June 1st, 2018), and was therefore a candidate for classification through an automated scoring system. Utilizing variant allele frequency, disease prevalence and penetrance estimates, and inheritance mode, an automated score was calculated to assess if this variant is too frequent to cause the disease. Based on the score and internal cut-off values, a variant classified as likely benign is not then subjected to further curation. The score for this variant resulted in a classification of likely benign for this disease.

PreventionGenetics, part of Exact Sciences
Classification: Benign for PEX14-related condition. Last evaluated: 2019-07-04. Review status: no assertion criteria provided. Collection method: clinical testing. Allele origin: germline. Not counted in ClinVar's aggregate classification.
Comment: This variant is classified as benign based on ACMG/AMP sequence variant interpretation guidelines (Richards et al. 2015 PMID: 25741868, with internal and published modifications).